The following is an entry in ClinVar:

ClinVar aggregate classification (germline): Uncertain significance (1 of 4 stars; one submission).

Conditions:
Cardiovascular phenotype. Identifiers: MedGen CN230736.

Submission:

Ambry Genetics
Classification: Uncertain significance for Cardiovascular phenotype. Last evaluated: 2025-09-02. Review status: criteria provided, single submitter. Criteria: Ambry Variant Classification Scheme 2023. Collection method: clinical testing. Allele origin: germline.
Comment: The p.T4907S variant (also known as c.14720C>G), located in coding exon 103 of the RYR2 gene, results from a C to G substitution at nucleotide position 14720. The threonine at codon 4907 is replaced by serine, an amino acid with similar properties. This amino acid position is highly conserved in available vertebrate species. In addition, this alteration is predicted to be deleterious by in silico analysis. Based on the available evidence, the clinical significance of this variant remains unclear.

NM_001035.3(RYR2):c.14720C>G (p.Thr4907Ser)

Gene: RYR2 (ryanodine receptor 2; plus strand). Cytogenetic location: 1q43.
Variant type: single nucleotide variant.
Coding change: c.14720C>G on transcript NM_001035.3 (MANE Select); coding-DNA position 14720, C replaced by G.
Protein change: p.Thr4907Ser; replaces threonine 4907 with serine.
Molecular consequence: missense variant.
Genome position (GRCh38, 1-based): chr1:237,830,594, C>G. VCF-style: chr1-237830594-C-G. GRCh37 (hg19) VCF-style: chr1-237993894-C-G.
Other names: short protein forms T4907S.
Identifiers: ClinVar variation 4158444 (VCV004158444.1).